The following is an entry in ClinVar:

ClinVar aggregate classification (germline): Uncertain significance (1 of 4 stars; one submission).

Conditions:
Early-infantile DEE. Also called: Ohtahara syndrome; Early infantile epileptic encephalopathy with suppression bursts; Early infantile epileptic encephalopathy. Identifiers: Orphanet 1934, MedGen C0393706, MONDO:0800491.

gnomAD v4.1: 22 of 1,612,720 alleles (0.0014%); highest among the groups gnomAD compares: South Asian, 0.02%; no homozygotes.

Submission:

Labcorp Genetics (formerly Invitae), Labcorp
Classification: Uncertain significance for Early-infantile DEE. Last evaluated: 2024-04-22. Review status: criteria provided, single submitter. Criteria: Invitae Variant Classification Sherloc (09022015). Collection method: clinical testing. Allele origin: germline.
Comment: This sequence change replaces arginine, which is basic and polar, with tryptophan, which is neutral and slightly polar, at codon 573 of the SCN8A protein (p.Arg573Trp). This variant is present in population databases (rs370074236, gnomAD 0.01%). This variant has not been reported in the literature in individuals affected with SCN8A-related conditions. ClinVar contains an entry for this variant (Variation ID: 855450). Advanced modeling of protein sequence and biophysical properties (such as structural, functional, and spatial information, amino acid conservation, physicochemical variation, residue mobility, and thermodynamic stability) performed at Invitae indicates that this missense variant is not expected to disrupt SCN8A protein function with a negative predictive value of 95%. In summary, the available evidence is currently insufficient to determine the role of this variant in disease. Therefore, it has been classified as a Variant of Uncertain Significance.

NM_001330260.2(SCN8A):c.1717C>T (p.Arg573Trp)

Gene: SCN8A (sodium voltage-gated channel alpha subunit 8; plus strand). Cytogenetic location: 12q13.13.
Variant type: single nucleotide variant.
Coding change: c.1717C>T on transcript NM_001330260.2 (MANE Select); coding-DNA position 1717, C replaced by T.
Protein change: p.Arg573Trp; replaces arginine 573 with tryptophan.
Molecular consequence: missense variant.
Genome position (GRCh38, 1-based): chr12:51,721,627, C>T. VCF-style: chr12-51721627-C-T. GRCh37 (hg19) VCF-style: chr12-52115411-C-T.
Other names: c.1717C>T, p.Arg573Trp (NM_001177984.3, NM_001369788.1, NM_014191.4); short protein forms R573W.
Identifiers: ClinVar variation 855450 (VCV000855450.10), dbSNP rs370074236, ClinGen allele CA6571315.
Genomic context (GRCh38, chr12:51,721,627, plus strand): 5'-TCGCCCTTCCTCTCCCGCCACAACAGCAAGAGCAGCATCTTCAGTTTCAGGGGACCTGGG[C>T]GGTTCCGAGACCCGGGCTCCGAGAATGAGTTCGCGGATGACGAGCACAGCACGGTGGAGG-3'
Protein context (NP_001317189.1, residues 563-583): SSIFSFRGPG[Arg573Trp]FRDPGSENEF